The following is an entry in ClinVar:

ClinVar aggregate classification (germline): Likely pathogenic (1 of 4 stars; one submission).

Conditions:
Cardiovascular phenotype. Identifiers: MedGen CN230736.

Submission:

Molecular Diagnostic Laboratory for Inherited Cardiovascular Disease, Montreal Heart Institute
Classification: Likely pathogenic for Cardiovascular phenotype. Last evaluated: 2026-05-07. Review status: criteria provided, single submitter. Criteria: ACMG Guidelines, 2015. Collection method: clinical testing. Allele origin: germline. Affected: yes.
Comment: PVS1, PM2

NM_001267550.2(TTN):c.91596C>A (p.Tyr30532Ter)

Genes: TTN (titin; minus strand), TTN-AS1 (TTN antisense RNA 1; plus strand). Cytogenetic location: 2q31.2.
Variant type: single nucleotide variant.
Coding change: c.91596C>A on transcript NM_001267550.2 (MANE Select); coding-DNA position 91596, C replaced by A.
Protein change: p.Tyr30532Ter; replaces tyrosine 30532 with a stop codon.
Molecular consequence: nonsense.
Genome position (GRCh38, 1-based): chr2:178,550,242, G>T on the plus strand (C>A on the coding strand, the complement: TTN is on the minus strand). VCF-style: chr2-178550242-G-T. GRCh37 (hg19) VCF-style: chr2-179414969-G-T.
Other names: c.86673C>A, p.Tyr28891Ter (NM_001256850.1); c.64401C>A, p.Tyr21467Ter (NM_003319.4); c.83892C>A, p.Tyr27964Ter (NM_133378.4); c.64776C>A, p.Tyr21592Ter (NM_133432.3); c.64977C>A, p.Tyr21659Ter (NM_133437.4); short protein forms Y21467*, Y21592*, Y21659*, Y27964*, Y28891*, Y30532*.
Identifiers: ClinVar variation 5037886 (VCV005037886.1).
Genomic context (GRCh38, chr2:178,550,242, plus strand): 5'-TCCTTGTACCAAAGCTTTAATTCTAAGGCTCTCTCCGGACTTAATAATGAGACCATCAAA[G>T]TATTCAGGGCCAAACTCTACTATTGGTGGAACTATAAAAGAAAGAGAAATACTATGTATT-3'